The following is an entry in ClinVar:

NM_001003787.4(STRADA):c.207C>G (p.Tyr69Ter)

Gene: STRADA (STE20 related adaptor alpha; minus strand). Cytogenetic location: 17q23.3.
Variant type: single nucleotide variant.
Coding change: c.207C>G on transcript NM_001003787.4 (MANE Select); coding-DNA position 207, C replaced by G.
Protein change: p.Tyr69Ter; replaces tyrosine 69 with a stop codon.
Molecular consequence: nonsense. On other transcripts: non-coding transcript variant (1), intron variant (1).
Genome position (GRCh38, 1-based): chr17:63,714,025, G>C on the plus strand (C>G on the coding strand, the complement: STRADA is on the minus strand). VCF-style: chr17-63714025-G-C. GRCh37 (hg19) VCF-style: chr17-61791385-G-C.
Other names: c.96C>G, p.Tyr32Ter (NM_001003786.3, NM_001363789.1, NM_153335.6); c.33C>G, p.Tyr11Ter (NM_001003788.3, NM_001363790.1, NM_001363791.1); c.120C>G, p.Tyr40Ter (NM_001165969.2, NM_001363787.1, NM_001411084.1); c.183C>G, p.Tyr61Ter (NM_001363786.1); c.207C>G, p.Tyr69Ter (NM_001363788.1, NM_001411083.1, NM_001411085.1); c.95-498C>G (NM_001165970.2); short protein forms Y32*, Y40*, Y11*, Y61*, Y69*.
Identifiers: ClinVar variation 2074680 (VCV002074680.4), dbSNP rs761309470, ClinGen allele CA400594092.

ClinVar aggregate classification (germline): Pathogenic (1 of 4 stars; one submission).

Conditions:
Polyhydramnios, megalencephaly, and symptomatic epilepsy (PMSE). Also called: PMSE SYNDROME. Identifiers: Orphanet 500533, MedGen C1970203, MONDO:0012611, OMIM 611087.

gnomAD v4.1: 2 of 1,613,680 alleles (0.00012%); highest among the groups gnomAD compares: South Asian, 0.0011%; no homozygotes.

Submission:

Labcorp Genetics (formerly Invitae), Labcorp
Classification: Pathogenic for Polyhydramnios, megalencephaly, and symptomatic epilepsy. Last evaluated: 2022-11-15. Review status: criteria provided, single submitter. Criteria: Invitae Variant Classification Sherloc (09022015). Collection method: clinical testing. Allele origin: germline.
Comment: For these reasons, this variant has been classified as Pathogenic. Algorithms developed to predict the effect of sequence changes on RNA splicing suggest that this variant may disrupt the consensus splice site. This variant has not been reported in the literature in individuals affected with STRADA-related conditions. This variant is not present in population databases (gnomAD no frequency). This sequence change creates a premature translational stop signal (p.Tyr69*) in the STRADA gene. It is expected to result in an absent or disrupted protein product. Loss-of-function variants in STRADA are known to be pathogenic (PMID: 17522105, 27170158).

Literature cited by the submitters: PubMed 17522105; PubMed 27170158.